The following is an entry in ClinVar:

ClinVar aggregate classification (germline): Uncertain significance. Review status: criteria provided, multiple submitters, no conflicts (2 of 4 stars). 2 submissions from 2 submitters: Uncertain significance (2). Last evaluated 2024-10-23.

Conditions:
Dyskeratosis congenita, autosomal dominant 3. Identifiers: MedGen C3151445, MONDO:0013522, OMIM 613990.
Dyskeratosis congenita. Identifiers: Orphanet 1775, MedGen C0265965, MONDO:0015780.

Allele frequency attached by ClinVar (database versions not stated): gnomAD 0.00002; ExAC 0.00008; gnomAD exomes 0.00008; 1000 Genomes Project 30x 0.00031; 1000 Genomes Project 0.00040.

Submissions (2):

Labcorp Genetics (formerly Invitae), Labcorp
Classification: Uncertain significance for Dyskeratosis congenita. Last evaluated: 2024-10-23. Review status: criteria provided, single submitter. Criteria: Invitae Variant Classification Sherloc (09022015). Collection method: clinical testing. Allele origin: germline.
Comment: This sequence change replaces glycine, which is neutral and non-polar, with glutamic acid, which is acidic and polar, at codon 197 of the TINF2 protein (p.Gly197Glu). This variant is present in population databases (rs540798467, gnomAD 0.06%), and has an allele count higher than expected for a pathogenic variant. This variant has not been reported in the literature in individuals affected with TINF2-related conditions. ClinVar contains an entry for this variant (Variation ID: 1015852). An algorithm developed to predict the effect of missense changes on protein structure and function (PolyPhen-2) suggests that this variant is likely to be disruptive. In summary, the available evidence is currently insufficient to determine the role of this variant in disease. Therefore, it has been classified as a Variant of Uncertain Significance.

Neuberg Centre For Genomic Medicine, NCGM
Classification: Uncertain significance for Dyskeratosis congenita, autosomal dominant 3. Review status: criteria provided, single submitter. Criteria: ACMG Guidelines, 2015. Collection method: clinical testing. Allele origin: germline. Inheritance: Autosomal dominant inheritance. Affected: yes.
Comment: The missense c.590G>A(p.Gly197Glu) variant in gene has not been reported previously as a pathogenic variant nor as a benign variant, to our knowledge. The variant has been reported with allele frequency of 0.008% in gnomAD Exomes and is absent in 1000 Genomes database. This variant has been reported to the ClinVar database as Uncertain significance. The amino acid change p.Gly197Glu in TINF2 is predicted as conserved by GERP++ and PhyloP across 100 vertebrates. The amino acid Gly at position 197 is changed to a Glu changing protein sequence and it might alter its composition and physico-chemical properties. For these reasons, this variant has been classified as Variant of Uncertain Significance (VUS).

NM_001099274.3(TINF2):c.590G>A (p.Gly197Glu)

Gene: TINF2 (TERF1 interacting nuclear factor 2; minus strand). Cytogenetic location: 14q12.
Variant type: single nucleotide variant.
Coding change: c.590G>A on transcript NM_001099274.3 (MANE Select); coding-DNA position 590, G replaced by A.
Protein change: p.Gly197Glu; replaces glycine 197 with glutamic acid.
Molecular consequence: missense variant.
Genome position (GRCh38, 1-based): chr14:24,241,034, C>T on the plus strand (G>A on the coding strand, the complement: TINF2 is on the minus strand). VCF-style: chr14-24241034-C-T. GRCh37 (hg19) VCF-style: chr14-24710240-C-T.
Other names: c.485G>A, p.Gly162Glu (NM_001363668.2); c.590G>A, p.Gly197Glu (NM_012461.3); short protein forms G162E, G197E.
Identifiers: ClinVar variation 1015852 (VCV001015852.10), dbSNP rs540798467, ClinGen allele CA7130612.